The following is an entry in ClinVar:

NM_001127898.4(CLCN5):c.505G>T (p.Glu169Ter)

Gene: CLCN5 (Cl-/H+ antiporter 5; plus strand). Cytogenetic location: Xp11.23.
Variant type: single nucleotide variant.
Coding change: c.505G>T on transcript NM_001127898.4 (MANE Select); coding-DNA position 505, G replaced by T.
Protein change: p.Glu169Ter; replaces glutamic acid 169 with a stop codon.
Molecular consequence: nonsense.
Genome position (GRCh38, 1-based): chrX:50,075,884, G>T. VCF-style: chrX-50075884-G-T. GRCh37 (hg19) VCF-style: chrX-49840539-G-T.
Other names: c.295G>T, p.Glu99Ter (NM_000084.5); c.505G>T, p.Glu169Ter (NM_001127899.4); c.355G>T, p.Glu119Ter (NM_001282163.2); short protein forms E119*, E169*, E99*.
Identifiers: ClinVar variation 3066332 (VCV003066332.1), dbSNP rs2519406899, ClinGen allele CA413182659.

ClinVar aggregate classification (germline): Likely pathogenic (1 of 4 stars; one submission).

Conditions:
Dent disease type 1 (DENT1). Also called: NEPHROLITHIASIS 2; NEPHROLITHIASIS, HYPERCALCIURIC, X-LINKED. Identifiers: Orphanet 1652, Orphanet 93622, MedGen C1848336, MONDO:0010225, OMIM 300009.

Submission:

MVZ Medizinische Genetik Mainz
Classification: Likely pathogenic for Dent disease type 1. Last evaluated: 2023-04-26. Review status: criteria provided, single submitter. Criteria: UK Practice Guidelines For Variant Classification V4 01 2020. Collection method: clinical testing. Allele origin: germline. Inheritance: X-linked dominant inheritance. Affected: yes. Observed: 1 variant allele.
Comment: ACMG Criteria: PVS1,PM2_SUP